The following is an entry in ClinVar:

ClinVar aggregate classification (germline): Pathogenic/Likely pathogenic. Review status: criteria provided, multiple submitters, no conflicts (2 of 4 stars). 2 submissions from 2 submitters: Pathogenic (1); Likely pathogenic (1). Last evaluated 2025-09-05.

Conditions:
Ehlers-Danlos syndrome, type 4 (EDSVASC). Also called: Ehlers-Danlos syndrome vascular type; Ehlers Danlos syndrome, ecchymotic type; Ehlers Danlos syndrome, arterial type; Ehlers Danlos syndrome, Sack-Barabas type; Ehlers-Danlos Syndrome Type IV. Identifiers: Orphanet 286, MedGen C0268338, MONDO:0017314, OMIM 130050.
Familial thoracic aortic aneurysm and aortic dissection (TAAD). Also called: Thoracic aortic aneurysms and dissections. Identifiers: Orphanet 91387, MedGen C4707243, MONDO:0019625.

Submissions (2):

Ambry Genetics
Classification: Likely pathogenic for Familial thoracic aortic aneurysm and aortic dissection. Last evaluated: 2025-09-05. Review status: criteria provided, single submitter. Criteria: Ambry Variant Classification Scheme 2023. Collection method: clinical testing. Allele origin: germline.
Comment: The p.G261S variant (also known as c.781G>A), located in coding exon 10 of the COL3A1 gene, results from a G to A substitution at nucleotide position 781. The glycine at codon 261 is replaced by serine, an amino acid with similar properties. The majority (approximately two-thirds) ofCOL3A1mutations identified to date have involved the substitution of another amino acid for glycine within the triple-helical domain (Pepin MG et al.Genet Med. 2014;16(12):881-8; Frank M et al.Eur J Hum Genet. 2015;23(12):1657-64). This variant was reported in individual(s) with features consistent with COL3A1-related Ehlers-Danlos syndrome (Lee ST et al. Heart Vessels, 2008 Mar;23:144-8).Internal structural analysis has demonstrated that this alteration disrupts the characteristic G-X-Y motif in theCOL3A1protein and inserts a bulky side chain into asterically-constrainedregion (Bella J et al.Science.1994;266:75-81;HohenesterE et al.Proc. Natl.Acad. Sci. U.S.A.2008;105:18273-7; Ambry internal data). This amino acid position is highly conserved in available vertebrate species. In addition, this alteration is predicted to be deleterious by in silico analysis. This variant is considered to be rare based on population cohorts in the Genome Aggregation Database (gnomAD). Based on the majority of available evidence to date, this variant is likely to be pathogenic.

Labcorp Genetics (formerly Invitae), Labcorp
Classification: Pathogenic for Ehlers-Danlos syndrome, type 4. Last evaluated: 2025-08-31. Review status: criteria provided, single submitter. Criteria: Invitae Variant Classification Sherloc (09022015). Collection method: clinical testing. Allele origin: germline.
Comment: This sequence change replaces glycine, which is neutral and non-polar, with serine, which is neutral and polar, at codon 261 of the COL3A1 protein (p.Gly261Ser). This variant is not present in population databases (gnomAD no frequency). This missense change has been observed in individual(s) with clinical features of Ehlers-Danlos syndrome (PMID: 18389341). In at least one individual the variant was observed to be de novo. Invitae Evidence Modeling of protein sequence and biophysical properties (such as structural, functional, and spatial information, amino acid conservation, physicochemical variation, residue mobility, and thermodynamic stability) indicates that this missense variant is expected to disrupt COL3A1 protein function with a positive predictive value of 95%. This variant disrupts the triple helix domain of COL3A1. Glycine residues within the Gly-Xaa-Yaa repeats of the triple helix domain are required for the structure and stability of fibrillar collagens (PMID: 7695699, 8218237, 19344236). In COL3A1, variants that affect these glycine residues are significantly enriched in individuals with disease (PMID: 24922459, 25758994) compared to the general population (ExAC). For these reasons, this variant has been classified as Pathogenic.

Literature cited by the submitters: PubMed 18389341 (cited by Ambry Genetics and Labcorp Genetics (formerly Invitae), Labcorp); PubMed 7695699 (cited by Labcorp Genetics (formerly Invitae), Labcorp); PubMed 8218237 (cited by Labcorp Genetics (formerly Invitae), Labcorp); PubMed 19344236 (cited by Labcorp Genetics (formerly Invitae), Labcorp); PubMed 24922459 (cited by Labcorp Genetics (formerly Invitae), Labcorp); PubMed 25758994 (cited by Labcorp Genetics (formerly Invitae), Labcorp).

NM_000090.4(COL3A1):c.781G>A (p.Gly261Ser)

Gene: COL3A1 (collagen type III alpha 1 chain; plus strand). Cytogenetic location: 2q32.2.
Variant type: single nucleotide variant.
Coding change: c.781G>A on transcript NM_000090.4 (MANE Select); coding-DNA position 781, G replaced by A.
Protein change: p.Gly261Ser; replaces glycine 261 with serine.
Molecular consequence: missense variant.
Genome position (GRCh38, 1-based): chr2:188,990,343, G>A. VCF-style: chr2-188990343-G-A. GRCh37 (hg19) VCF-style: chr2-189855069-G-A.
Other names: short protein forms G261S.
Identifiers: ClinVar variation 4232233 (VCV004232233.2).